The following is an entry in ClinVar:

NM_001368894.2(PAX6):c.873G>A (p.Gln291=)

Gene: PAX6 (paired box 6; minus strand). Cytogenetic location: 11p13.
Variant type: single nucleotide variant.
Coding change: c.873G>A on transcript NM_001368894.2 (MANE Select); coding-DNA position 873, G replaced by A.
Protein change: p.Gln291=; no amino-acid change (glutamine 291 retained).
Molecular consequence: synonymous variant. On other transcripts: non-coding transcript variant (2).
Genome position (GRCh38, 1-based): chr11:31,793,737, C>T on the plus strand (G>A on the coding strand, the complement: PAX6 is on the minus strand). VCF-style: chr11-31793737-C-T. GRCh37 (hg19) VCF-style: chr11-31815285-C-T.
Other names: c.423G>A, p.Gln141= (NM_001368903.2, NM_001368904.2, NM_001368905.2 and 11 more transcripts); c.1074G>A, p.Gln358= (NM_001368910.2); c.876G>A, p.Gln292= (NM_001368911.2); c.873G>A, p.Gln291= (NM_001368912.2, NM_001368913.2, NM_001368914.2 and 6 more transcripts); c.831G>A, p.Gln277= (NM_001368915.2, NM_001368916.2, NM_001368917.2 and 10 more transcripts); c.948G>A, p.Gln316= (NM_001368918.2, NM_001368919.2); c.906G>A, p.Gln302= (NM_001368920.2); c.672G>A, p.Gln224= (NM_001368921.2, NM_001368922.2, NM_001368923.2 and 4 more transcripts); and 3 more.
Identifiers: ClinVar variation 304356 (VCV000304356.44), dbSNP rs149053004, ClinGen allele CA5933788.

ClinVar aggregate classification (germline): Conflicting classifications of pathogenicity. Review status: criteria provided, conflicting classifications (1 of 4 stars). 12 submissions from 7 submitters: Uncertain significance (1); Benign (7); Likely benign (2). 2 of the submissions do not count toward it. Last evaluated 2026-01-28.

Conditions:
Anophthalmia-microphthalmia syndrome. Also called: Anophthalmia/Microphthalmia; Anophthalmia - microphthalmia. Identifiers: Orphanet 98555, MedGen C5680330, MONDO:0020147.
Foveal hypoplasia 1. Also called: FOVEAL HYPOPLASIA 1 WITH OR WITHOUT ANTERIOR SEGMENT ANOMALIES AND/OR CATARACT; FOVEAL HYPOPLASIA 1 WITH ANTERIOR SEGMENT ANOMALIES. Identifiers: Orphanet 2253, MedGen C3805604, MONDO:0007628, OMIM 136520.
Aniridia 1 (AN1). Identifiers: Orphanet 250923, MedGen C0344542, MONDO:0024507, OMIM 106210.
11p partial monosomy syndrome (WAGR). Also called: CHROMOSOME 11p13 DELETION SYNDROME; WAGR syndrome; WAGR Spectrum Disorder; WAGR Complex. Identifiers: Orphanet 893, MedGen C0206115, MONDO:0008681, OMIM 194072.
carboxymethyl-dextran-A2-gadolinium-DOTA.
Irido-corneo-trabecular dysgenesis (ASGD5). Also called: ANTERIOR SEGMENT DYSGENESIS 5. Identifiers: Orphanet 708, MedGen C0344559, MONDO:0011414, OMIM 604229, HP:0000659.
Autosomal dominant keratitis. Also called: Keratitis, hereditary. Identifiers: Orphanet 2334, MedGen C1835698, MONDO:0007848, OMIM 148190.

Allele frequency attached by ClinVar (database versions not stated): ExAC 0.00123; 1000 Genomes Project 30x 0.00125; gnomAD exomes 0.00128 and 0.00113; ESP Exome Variant Server 0.00138; gnomAD 0.00075 and 0.00087; TOPMed 0.00107; 1000 Genomes Project 0.00120.
gnomAD v4.1: 1,786 of 1,614,158 alleles (0.11%); highest among the groups gnomAD compares: Middle Eastern, 0.59%; 8 homozygotes.

Submissions (12):

Labcorp Genetics (formerly Invitae), Labcorp
Classification: Benign for Aniridia 1; Irido-corneo-trabecular dysgenesis. Last evaluated: 2026-01-28. Review status: criteria provided, single submitter. Criteria: Invitae Variant Classification Sherloc (09022015). Collection method: clinical testing. Allele origin: germline.

CeGaT Center for Human Genetics Tuebingen
Classification: Likely benign. Last evaluated: 2026-01-01. Review status: criteria provided, single submitter. Criteria: CeGaT Center For Human Genetics Tuebingen Variant Classification Criteria Version 2. Collection method: clinical testing. Allele origin: germline. Affected: yes. Observed: 8 variant alleles.
Comment: PAX6: BP4, BS1

Blueprint Genetics
Classification: Likely benign. Last evaluated: 2024-11-22. Review status: criteria provided, single submitter. Criteria: ACMG Guidelines, 2015. Collection method: clinical testing. Allele origin: germline.

Illumina Laboratory Services, Illumina
Classification: Benign for Foveal hypoplasia 1. Last evaluated: 2018-01-12. Review status: criteria provided, single submitter. Criteria: ICSL Variant Classification Criteria 13 December 2019. Collection method: clinical testing. Allele origin: germline.
Comment: This variant was observed in the ICSL laboratory as part of a predisposition screen in an ostensibly healthy population. It had not been previously curated by ICSL or reported in the Human Gene Mutation Database (HGMD: prior to June 1st, 2018), and was therefore a candidate for classification through an automated scoring system. Utilizing variant allele frequency, disease prevalence and penetrance estimates, and inheritance mode, an automated score was calculated to assess if this variant is too frequent to cause the disease. Based on the score and internal cut-off values, a variant classified as benign is not then subjected to further curation. The score for this variant resulted in a classification of benign for this disease.

Illumina Laboratory Services, Illumina
Classification: Uncertain significance for Anophthalmia-microphthalmia syndrome. Last evaluated: 2018-01-12. Review status: criteria provided, single submitter. Criteria: ICSL Variant Classification Criteria 13 December 2019. Collection method: clinical testing. Allele origin: germline.

Illumina Laboratory Services, Illumina
Classification: Benign for Wilms tumor, aniridia, genitourinary anomalies, and mental retardation syndrome. Last evaluated: 2018-01-12. Review status: criteria provided, single submitter. Criteria: ICSL Variant Classification Criteria 13 December 2019. Collection method: clinical testing. Allele origin: germline.
Comment: the same text as in the submission from Illumina Laboratory Services, Illumina above.

Illumina Laboratory Services, Illumina
Classification: Benign for Autosomal dominant keratitis. Last evaluated: 2018-01-12. Review status: criteria provided, single submitter. Criteria: ICSL Variant Classification Criteria 13 December 2019. Collection method: clinical testing. Allele origin: germline.
Comment: the same text as in the submission from Illumina Laboratory Services, Illumina above.

Illumina Laboratory Services, Illumina
Classification: Benign for carboxymethyl-dextran-A2-gadolinium-DOTA. Last evaluated: 2018-01-12. Review status: criteria provided, single submitter. Criteria: ICSL Variant Classification Criteria 13 December 2019. Collection method: clinical testing. Allele origin: germline.
Comment: the same text as in the submission from Illumina Laboratory Services, Illumina above.

Illumina Laboratory Services, Illumina
Classification: Benign for Aniridia 1. Last evaluated: 2018-01-12. Review status: criteria provided, single submitter. Criteria: ICSL Variant Classification Criteria 13 December 2019. Collection method: clinical testing. Allele origin: germline.
Comment: the same text as in the submission from Illumina Laboratory Services, Illumina above.

GeneDx
Classification: Benign. Last evaluated: 2015-03-03. Review status: criteria provided, single submitter. Criteria: GeneDx Variant Classification Process June 2021. Collection method: clinical testing. Allele origin: germline. Affected: yes.

Clinical Genetics DNA and cytogenetics Diagnostics Lab, Erasmus MC, Erasmus Medical Center
Classification: Likely benign. Review status: no assertion criteria provided. Collection method: clinical testing. Allele origin: germline. Affected: yes. Study: VKGL Data-share Consensus. Not counted in ClinVar's aggregate classification.

Laboratory of Diagnostic Genome Analysis, Leiden University Medical Center (LUMC)
Classification: Likely benign. Review status: no assertion criteria provided. Collection method: clinical testing. Allele origin: germline. Affected: yes. Study: VKGL Data-share Consensus. Not counted in ClinVar's aggregate classification.